The following is an entry in ClinVar:

NM_001903.5(CTNNA1):c.1054A>T (p.Met352Leu)

Gene: CTNNA1 (catenin alpha 1; plus strand). Cytogenetic location: 5q31.2.
Variant type: single nucleotide variant.
Coding change: c.1054A>T on transcript NM_001903.5 (MANE Select); coding-DNA position 1054, A replaced by T.
Protein change: p.Met352Leu; replaces methionine 352 with leucine.
Molecular consequence: missense variant.
Genome position (GRCh38, 1-based): chr5:138,827,710, A>T. VCF-style: chr5-138827710-A-T. GRCh37 (hg19) VCF-style: chr5-138163399-A-T.
Other names: c.1054A>T, p.Met352Leu (NM_001290307.3, NM_001323982.2, NM_001323983.1 and 3 more transcripts); c.745A>T, p.Met249Leu (NM_001290309.3); c.685A>T, p.Met229Leu (NM_001290310.3); short protein forms M229L, M249L, M352L.
Identifiers: ClinVar variation 2502012 (VCV002502012.1), dbSNP rs1581178714, ClinGen allele CA361131320.

ClinVar aggregate classification (germline): Uncertain significance (1 of 4 stars; one submission).

Submission:

GeneDx
Classification: Uncertain significance. Last evaluated: 2022-11-10. Review status: criteria provided, single submitter. Criteria: GeneDx Variant Classification Process June 2021. Collection method: clinical testing. Allele origin: germline. Affected: yes.
Comment: Not observed at significant frequency in large population cohorts (gnomAD); In silico analysis supports that this missense variant does not alter protein structure/function; Has not been previously published as pathogenic or benign to our knowledge